The following is an entry in ClinVar:

NM_015335.5(MED13L):c.2713A>C (p.Met905Leu)

Gene: MED13L (mediator complex subunit 13L; minus strand). Cytogenetic location: 12q24.21.
Variant type: single nucleotide variant.
Coding change: c.2713A>C on transcript NM_015335.5 (MANE Select); coding-DNA position 2713, A replaced by C.
Protein change: p.Met905Leu; replaces methionine 905 with leucine.
Molecular consequence: missense variant.
Genome position (GRCh38, 1-based): chr12:115,997,087, T>G on the plus strand (A>C on the coding strand, the complement: MED13L is on the minus strand). VCF-style: chr12-115997087-T-G. GRCh37 (hg19) VCF-style: chr12-116434892-T-G.
Other names: short protein forms M905L.
Identifiers: ClinVar variation 1993450 (VCV001993450.4), dbSNP rs2499875034, ClinGen allele CA386890572.

ClinVar aggregate classification (germline): Uncertain significance (1 of 4 stars; one submission).

Conditions:
Dextro-looped transposition of the great arteries. Also called: Dextrotransposition of the great arteries. Identifiers: Orphanet 860, MedGen C3531771, MONDO:0019443, OMIM 608808, HP:0031348.

Submission:

Labcorp Genetics (formerly Invitae), Labcorp
Classification: Uncertain significance for Dextro-looped transposition of the great arteries. Last evaluated: 2024-05-15. Review status: criteria provided, single submitter. Criteria: Invitae Variant Classification Sherloc (09022015). Collection method: clinical testing. Allele origin: germline.
Comment: This sequence change replaces methionine, which is neutral and non-polar, with leucine, which is neutral and non-polar, at codon 905 of the MED13L protein (p.Met905Leu). This variant is not present in population databases (gnomAD no frequency). This variant has not been reported in the literature in individuals affected with MED13L-related conditions. ClinVar contains an entry for this variant (Variation ID: 1993450). Advanced modeling of protein sequence and biophysical properties (such as structural, functional, and spatial information, amino acid conservation, physicochemical variation, residue mobility, and thermodynamic stability) performed at Invitae indicates that this missense variant is not expected to disrupt MED13L protein function with a negative predictive value of 95%. In summary, the available evidence is currently insufficient to determine the role of this variant in disease. Therefore, it has been classified as a Variant of Uncertain Significance.